The following is an entry in ClinVar:

ClinVar aggregate classification (germline): Benign/Likely benign. Review status: criteria provided, multiple submitters, no conflicts (2 of 4 stars). 3 submissions from 3 submitters: Benign (2); Likely benign (1). Last evaluated 2023-11-01.

Allele frequency attached by ClinVar (database versions not stated): 1000 Genomes Project 0.00160; 1000 Genomes Project 30x 0.00187; TOPMed 0.00447; gnomAD 0.00455 and 0.00462; gnomAD exomes 0.00525 and 0.00796; ExAC 0.00537; ESP Exome Variant Server 0.00569.
gnomAD v4.1: 12,256 of 1,614,052 alleles (0.76%); highest among the groups gnomAD compares: Non-Finnish European, 0.89%; 64 homozygotes.

Submissions (3):

CeGaT Center for Human Genetics Tuebingen
Classification: Likely benign. Last evaluated: 2023-11-01. Review status: criteria provided, single submitter. Criteria: CeGaT Center For Human Genetics Tuebingen Variant Classification Criteria Version 2. Collection method: clinical testing. Allele origin: germline. Affected: yes. Observed: 3 variant alleles.
Comment: FOXO1: BP4, BP7, BS2

Labcorp Genetics (formerly Invitae), Labcorp
Classification: Benign. Last evaluated: 2019-12-31. Review status: criteria provided, single submitter. Criteria: Invitae Variant Classification Sherloc (09022015). Collection method: clinical testing. Allele origin: germline.

Breakthrough Genomics
Classification: Benign. Review status: criteria provided, single submitter. Criteria: ACMG Guidelines, 2015. Collection method: not provided. Allele origin: germline. Inheritance: Other. Affected: yes.

NM_002015.4(FOXO1):c.999C>T (p.Thr333=)

Gene: FOXO1 (forkhead box O1; minus strand). Cytogenetic location: 13q14.11.
Variant type: single nucleotide variant.
Coding change: c.999C>T on transcript NM_002015.4 (MANE Select); coding-DNA position 999, C replaced by T.
Protein change: p.Thr333=; no amino-acid change (threonine 333 retained).
Molecular consequence: synonymous variant.
Genome position (GRCh38, 1-based): chr13:40,560,492, G>A on the plus strand (C>T on the coding strand, the complement: FOXO1 is on the minus strand). VCF-style: chr13-40560492-G-A. GRCh37 (hg19) VCF-style: chr13-41134629-G-A.
Identifiers: ClinVar variation 791400 (VCV000791400.29), dbSNP rs139436481, ClinGen allele CA6959122.